The following is an entry in ClinVar:

NM_000057.4(BLM):c.4123A>G (p.Ser1375Gly)

Gene: BLM (BLM RecQ like helicase; plus strand). Cytogenetic location: 15q26.1.
Variant type: single nucleotide variant.
Coding change: c.4123A>G on transcript NM_000057.4 (MANE Select); coding-DNA position 4123, A replaced by G.
Protein change: p.Ser1375Gly; replaces serine 1375 with glycine.
Molecular consequence: missense variant.
Genome position (GRCh38, 1-based): chr15:90,815,148, A>G. VCF-style: chr15-90815148-A-G. GRCh37 (hg19) VCF-style: chr15-91358378-A-G.
Other names: c.4123A>G, p.Ser1375Gly (NM_001287246.2); c.3730A>G, p.Ser1244Gly (NM_001287247.2); c.2998A>G, p.Ser1000Gly (NM_001287248.2); c.4123A>G (NM_000057.2); short protein forms S1244G, S1375G, S1000G.
Identifiers: ClinVar variation 961996 (VCV000961996.15), dbSNP rs1897526575, ClinGen allele CA393852207.

ClinVar aggregate classification (germline): Uncertain significance. Review status: criteria provided, multiple submitters, no conflicts (2 of 4 stars). 3 submissions from 3 submitters: Uncertain significance (2). 1 of the submissions does not count toward it. Last evaluated 2025-08-02.

Conditions:
Hereditary cancer-predisposing syndrome. Also called: Tumor predisposition; Hereditary neoplastic syndrome; Hereditary Cancer Syndrome; Neoplastic Syndromes, Hereditary. Identifiers: Orphanet 140162, MedGen C0027672, MeSH D009386, MONDO:0015356.
Bloom syndrome (BLM). Also called: Bloom-Torre-Machacek syndrome. Identifiers: Orphanet 125, MedGen C0005859, MONDO:0008876, OMIM 210900.

Allele frequency attached by ClinVar (database versions not stated): gnomAD exomes 0.00001.

Submissions (3):

Labcorp Genetics (formerly Invitae), Labcorp
Classification: Uncertain significance for Bloom syndrome. Last evaluated: 2025-08-02. Review status: criteria provided, single submitter. Criteria: Invitae Variant Classification Sherloc (09022015). Collection method: clinical testing. Allele origin: germline.
Comment: This sequence change replaces serine, which is neutral and polar, with glycine, which is neutral and non-polar, at codon 1375 of the BLM protein (p.Ser1375Gly). This variant is not present in population databases (gnomAD no frequency). This variant has not been reported in the literature in individuals affected with BLM-related conditions. ClinVar contains an entry for this variant (Variation ID: 961996). An algorithm developed to predict the effect of missense changes on protein structure and function outputs the following: PolyPhen-2: "Benign". The glycine amino acid residue is found in multiple mammalian species, which suggests that this missense change does not adversely affect protein function. In summary, the available evidence is currently insufficient to determine the role of this variant in disease. Therefore, it has been classified as a Variant of Uncertain Significance.

Ambry Genetics
Classification: Uncertain significance for Hereditary cancer-predisposing syndrome. Last evaluated: 2025-07-01. Review status: criteria provided, single submitter. Criteria: Ambry Variant Classification Scheme 2023. Collection method: clinical testing. Allele origin: germline.
Comment: The p.S1375G variant (also known as c.4123A>G), located in coding exon 21 of the BLM gene, results from an A to G substitution at nucleotide position 4123. The serine at codon 1375 is replaced by glycine, an amino acid with similar properties. This amino acid position is conserved. In addition, this alteration is predicted to be tolerated by in silico analysis. Since supporting evidence is limited at this time, the clinical significance of this alteration remains unclear.

Natera, Inc.
Classification: Uncertain significance for Bloom syndrome. Last evaluated: 2018-11-15. Review status: no assertion criteria provided. Collection method: clinical testing. Allele origin: germline. Not counted in ClinVar's aggregate classification.